The following is an entry in ClinVar:

ClinVar aggregate classification (germline): Likely benign. Review status: criteria provided, multiple submitters, no conflicts (2 of 4 stars). 2 submissions from 2 submitters: Likely benign (2). Last evaluated 2026-06-01.

Conditions:
Multiple congenital anomalies-hypotonia-seizures syndrome 1 (MCAHS1). Also called: PIGN-CDG; Congenital disorder of glycosylation due to PIGN deficiency; GLYCOSYLPHOSPHATIDYLINOSITOL BIOSYNTHESIS DEFECT 3. Identifiers: Orphanet 280633, MedGen C3279775, MONDO:0013563, OMIM 614080.

Allele frequency attached by ClinVar (database versions not stated): gnomAD 0.00001; TOPMed 0.00001; ESP Exome Variant Server 0.00008.
gnomAD v4.1: 5 of 1,555,034 alleles (0.00032%); highest among the groups gnomAD compares: Admixed American, 0.0058%; no homozygotes.

Submissions (2):

CeGaT Center for Human Genetics Tuebingen
Classification: Likely benign. Last evaluated: 2026-06-01. Review status: criteria provided, single submitter. Criteria: CeGaT Center For Human Genetics Tuebingen Variant Classification Criteria Version 2. Collection method: clinical testing. Allele origin: germline. Affected: yes. Observed: 1 variant allele.
Comment: PIGN: BP4, BP7

Labcorp Genetics (formerly Invitae), Labcorp
Classification: Likely benign for Multiple congenital anomalies-hypotonia-seizures syndrome 1. Last evaluated: 2024-11-07. Review status: criteria provided, single submitter. Criteria: Invitae Variant Classification Sherloc (09022015). Collection method: clinical testing. Allele origin: germline.

NM_176787.5(PIGN):c.1803C>T (p.Leu601=)

Gene: PIGN (phosphatidylinositol glycan anchor biosynthesis class N; minus strand). Cytogenetic location: 18q21.33.
Variant type: single nucleotide variant.
Coding change: c.1803C>T on transcript NM_176787.5 (MANE Select); coding-DNA position 1803, C replaced by T.
Protein change: p.Leu601=; no amino-acid change (leucine 601 retained).
Molecular consequence: synonymous variant.
Genome position (GRCh38, 1-based): chr18:62,105,599, G>A on the plus strand (C>T on the coding strand, the complement: PIGN is on the minus strand). VCF-style: chr18-62105599-G-A. GRCh37 (hg19) VCF-style: chr18-59772832-G-A.
Other names: c.1803C>T, p.Leu601= (NM_012327.6).
Identifiers: ClinVar variation 1090356 (VCV001090356.11), dbSNP rs374316055, ClinGen allele CA8982166.